The following is an entry in ClinVar:

NM_004855.5(PIGB):c.139G>A (p.Glu47Lys)

Gene: PIGB (phosphatidylinositol glycan anchor biosynthesis class B; plus strand). Cytogenetic location: 15q21.3.
Variant type: single nucleotide variant.
Coding change: c.139G>A on transcript NM_004855.5 (MANE Select); coding-DNA position 139, G replaced by A.
Protein change: p.Glu47Lys; replaces glutamic acid 47 with lysine.
Molecular consequence: missense variant.
Genome position (GRCh38, 1-based): chr15:55,319,389, G>A. VCF-style: chr15-55319389-G-A. GRCh37 (hg19) VCF-style: chr15-55611587-G-A.
Other names: short protein forms E47K.
Identifiers: ClinVar variation 1357121 (VCV001357121.7), dbSNP rs955128434, ClinGen allele CA270774433.

ClinVar aggregate classification (germline): Uncertain significance (1 of 4 stars; one submission).

Allele frequency attached by ClinVar (database versions not stated): gnomAD 0.00001; gnomAD exomes 0.00001 and 0.00002; TOPMed 0.00002.
gnomAD v4.1: 33 of 1,552,556 alleles (0.0021%); highest among the groups gnomAD compares: Non-Finnish European, 0.0028%; no homozygotes.

Submission:

Labcorp Genetics (formerly Invitae), Labcorp
Classification: Uncertain significance. Last evaluated: 2022-07-12. Review status: criteria provided, single submitter. Criteria: Invitae Variant Classification Sherloc (09022015). Collection method: clinical testing. Allele origin: germline.
Comment: In summary, the available evidence is currently insufficient to determine the role of this variant in disease. Therefore, it has been classified as a Variant of Uncertain Significance. Algorithms developed to predict the effect of missense changes on protein structure and function (SIFT, PolyPhen-2, Align-GVGD) all suggest that this variant is likely to be tolerated. ClinVar contains an entry for this variant (Variation ID: 1357121). This variant has not been reported in the literature in individuals affected with PIGB-related conditions. This variant is present in population databases (no rsID available, gnomAD 0.002%). This sequence change replaces glutamic acid, which is acidic and polar, with lysine, which is basic and polar, at codon 47 of the PIGB protein (p.Glu47Lys).